The following is an entry in ClinVar:

ClinVar aggregate classification (germline): Uncertain significance (1 of 4 stars; one submission).

Submission:

GeneDx
Classification: Uncertain significance. Last evaluated: 2024-06-16. Review status: criteria provided, single submitter. Criteria: GeneDx Variant Classification Process June 2021. Collection method: clinical testing. Allele origin: germline. Affected: yes.
Comment: Not observed at significant frequency in large population cohorts (gnomAD); In silico analysis supports that this missense variant has a deleterious effect on protein structure/function; Has not been previously published as pathogenic or benign to our knowledge

NM_001134407.3(GRIN2A):c.395C>A (p.Ser132Tyr)

Gene: GRIN2A (glutamate ionotropic receptor NMDA type subunit 2A; minus strand). Cytogenetic location: 16p13.2.
Variant type: single nucleotide variant.
Coding change: c.395C>A on transcript NM_001134407.3 (MANE Select); coding-DNA position 395, C replaced by A.
Protein change: p.Ser132Tyr; replaces serine 132 with tyrosine.
Molecular consequence: missense variant.
Genome position (GRCh38, 1-based): chr16:10,180,017, G>T on the plus strand (C>A on the coding strand, the complement: GRIN2A is on the minus strand). VCF-style: chr16-10180017-G-T. GRCh37 (hg19) VCF-style: chr16-10273874-G-T.
Other names: c.395C>A, p.Ser132Tyr (NM_000833.5, NM_001134408.2); short protein forms S132Y.
Identifiers: ClinVar variation 3390582 (VCV003390582.1).